The following is an entry in ClinVar:

NM_001204.7(BMPR2):c.1328del (p.His443fs)

Gene: BMPR2 (bone morphogenetic protein receptor type 2; plus strand). Cytogenetic location: 2q33.2.
Variant type: Deletion.
Coding change: c.1328del on transcript NM_001204.7 (MANE Select); coding-DNA position 1328, one base deleted (A; older notation c.1328delA).
Protein change: p.His443fs; shifts the reading frame from histidine 443.
Molecular consequence: frameshift variant.
Genome position (GRCh38, 1-based): chr2:202,542,362, A deleted. VCF-style (leftmost placement, unchanged base first): chr2-202542361-CA-C. GRCh37 (hg19) VCF-style: chr2-203407084-CA-C.
Other names: short protein forms H443fs.
Identifiers: ClinVar variation 4712565 (VCV004712565.1).
Genomic context (GRCh38, chr2:202,542,361, plus strand): 5'-AAATCCACAGGGGAATCCGTACCAGAGTACCAGATGGCTTTTCAGACAGAGGTTGGAAAC[CA>C]TCCCACTTTTGAGGATATGCAGGTTCTCGTGTCTAGGGAAAAACAGAGACCCAAGTTCCC-3'

ClinVar aggregate classification (germline): Pathogenic (1 of 4 stars; one submission).

Conditions:
Primary pulmonary hypertension. Also called: Idiopathic pulmonary hypertension. Identifiers: MedGen C0152171.

Submission:

Labcorp Genetics (formerly Invitae), Labcorp
Classification: Pathogenic for Primary pulmonary hypertension. Last evaluated: 2025-08-05. Review status: criteria provided, single submitter. Criteria: Invitae Variant Classification Sherloc (09022015). Collection method: clinical testing. Allele origin: germline.
Comment: This sequence change creates a premature translational stop signal (p.His443Leufs*31) in the BMPR2 gene. It is expected to result in an absent or disrupted protein product. Loss-of-function variants in BMPR2 are known to be pathogenic (PMID: 16429395). This variant is not present in population databases (gnomAD no frequency). This variant has not been reported in the literature in individuals affected with BMPR2-related conditions. For these reasons, this variant has been classified as Pathogenic.

Literature cited by the submitters: PubMed 16429395.